The following is an entry in ClinVar:

NM_000548.5(TSC2):c.325G>T (p.Val109Leu)

Gene: TSC2 (TSC complex subunit 2; plus strand). Cytogenetic location: 16p13.3.
Variant type: single nucleotide variant.
Coding change: c.325G>T on transcript NM_000548.5 (MANE Select); coding-DNA position 325, G replaced by T.
Protein change: p.Val109Leu; replaces valine 109 with leucine.
Molecular consequence: missense variant. On other transcripts: 5 prime UTR variant (14), non-coding transcript variant (5), intron variant (9).
Genome position (GRCh38, 1-based): chr16:2,053,441, G>T. VCF-style: chr16-2053441-G-T. GRCh37 (hg19) VCF-style: chr16-2103442-G-T.
Other names: c.325G>T, p.Val109Leu (NM_001406667.1, NM_001406668.1, NM_001406671.1 and 10 more transcripts); c.178G>T, p.Val60Leu (NM_001406675.1, NM_001406676.1, NM_001406677.1 and 2 more transcripts); c.-492G>T (NM_001406680.1, NM_001406683.1, NM_001406687.1); c.-121G>T (NM_001406681.1); c.226-855G>T (NM_001406670.1, NM_001318827.2, NM_001406678.1); c.-1-2755G>T (NM_001406682.1, NM_001406684.1, NM_001406685.1 and 3 more transcripts); c.358G>T, p.Val120Leu (NM_001318832.2); c.-1107G>T (NM_001406689.1, NM_001406690.1, NM_001406691.1 and 2 more transcripts); and 4 more; short protein forms V120L, V109L, V60L.
Identifiers: ClinVar variation 2774666 (VCV002774666.2), dbSNP rs369932305, ClinGen allele CA394306013.

ClinVar aggregate classification (germline): Uncertain significance (1 of 4 stars; one submission).

Conditions:
Tuberous sclerosis syndrome (TSC). Also called: Tuberous Sclerosis Complex; Tuberous sclerosis. Identifiers: Orphanet 805, MedGen C0041341, MONDO:0001734.

Submission:

Color Diagnostics, LLC DBA Color Health
Classification: Uncertain significance for Tuberous sclerosis syndrome. Last evaluated: 2024-03-06. Review status: criteria provided, single submitter. Criteria: ACMG Guidelines, 2015. Collection method: clinical testing. Allele origin: germline.
Comment: This missense variant replaces valine with leucine at codon 109 of the TSC2 protein. Computational prediction is inconclusive regarding the impact of this variant on protein structure and function (internally defined REVEL score threshold 0.5 < inconclusive < 0.7, PMID: 27666373). To our knowledge, functional studies have not been reported for this variant. This variant has not been reported in individuals affected with tuberous sclerosis complex in the literature. This variant has not been identified in the general population by the Genome Aggregation Database (gnomAD). The available evidence is insufficient to determine the role of this variant in disease conclusively. Therefore, this variant is classified as a Variant of Uncertain Significance.